The following is an entry in ClinVar:

ClinVar aggregate classification (germline): Uncertain significance. Review status: criteria provided, multiple submitters, no conflicts (2 of 4 stars). 3 submissions from 3 submitters: Uncertain significance (3). Last evaluated 2024-03-06.

Conditions:
RYR1-related disorder. Also called: RYR1-related condition; RYR1-related disorders. Identifiers: MedGen CN239331.
Malignant hyperthermia, susceptibility to, 1 (MHS1). Also called: RYR1-Related Malignant Hyperthermia Susceptibility; Malignant hyperthermia suceptibility 1; Anesthesia related hyperthermia; Malignant hyperpyrexia; Fulminating hyperpyrexia; Pharmacogenic myopathy. Identifiers: Orphanet 423, MedGen C2930980, MONDO:0007783, OMIM 145600.

Allele frequency attached by ClinVar (database versions not stated): TOPMed below 0.00001; gnomAD 0.00001; gnomAD exomes 0.00001; ExAC 0.00002.
gnomAD v4.1: 22 of 1,613,526 alleles (0.0014%); highest among the groups gnomAD compares: Non-Finnish European, 0.0017%; no homozygotes.

Submissions (3):

Color Diagnostics, LLC DBA Color Health
Classification: Uncertain significance for Malignant hyperthermia, susceptibility to, 1. Last evaluated: 2024-03-06. Review status: criteria provided, single submitter. Criteria: ACMG Guidelines, 2015. Collection method: clinical testing. Allele origin: germline.
Comment: This missense variant replaces proline with serine at codon 3233 of the RYR1 protein. Computational prediction suggests that this variant may have deleterious impact on protein structure and function. To our knowledge, functional studies have not been reported for this variant. This variant has not been reported in individuals affected with RYR1-related disorders in the literature. This variant has been identified in 2/247900 chromosomes in the general population by the Genome Aggregation Database (gnomAD). The available evidence is insufficient to determine the role of this variant in disease conclusively. Therefore, this variant is classified as a Variant of Uncertain Significance.

Labcorp Genetics (formerly Invitae), Labcorp
Classification: Uncertain significance for RYR1-related disorder. Last evaluated: 2024-02-24. Review status: criteria provided, single submitter. Criteria: Invitae Variant Classification Sherloc (09022015). Collection method: clinical testing. Allele origin: germline.
Comment: This sequence change replaces proline, which is neutral and non-polar, with serine, which is neutral and polar, at codon 3233 of the RYR1 protein (p.Pro3233Ser). This variant is present in population databases (rs748843045, gnomAD 0.002%). This variant has not been reported in the literature in individuals affected with RYR1-related conditions. ClinVar contains an entry for this variant (Variation ID: 2062848). Advanced modeling of protein sequence and biophysical properties (such as structural, functional, and spatial information, amino acid conservation, physicochemical variation, residue mobility, and thermodynamic stability) performed at Invitae indicates that this missense variant is expected to disrupt RYR1 protein function with a positive predictive value of 95%. In summary, the available evidence is currently insufficient to determine the role of this variant in disease. Therefore, it has been classified as a Variant of Uncertain Significance.

All of Us Research Program, National Institutes of Health
Classification: Uncertain significance for Malignant hyperthermia, susceptibility to, 1. Last evaluated: 2023-11-02. Review status: criteria provided, single submitter. Criteria: ACMG Guidelines, 2015. Collection method: clinical testing. Allele origin: germline. Inheritance: Autosomal dominant inheritance. Observed: 4 variant alleles, 4 heterozygotes.
Comment: This missense variant replaces proline with serine at codon 3233 of the RYR1 protein. Computational prediction suggests that this variant may have deleterious impact on protein structure and function (internally defined REVEL score threshold >= 0.7, PMID: 27666373). To our knowledge, functional studies have not been reported for this variant. This variant has not been reported in individuals affected with RYR1-related disorders in the literature. This variant has been identified in 2/247900 chromosomes in the general population by the Genome Aggregation Database (gnomAD). The available evidence is insufficient to determine the role of this variant in disease conclusively. Therefore, this variant is classified as a Variant of Uncertain Significance.

This study involves interpretation of variants in research participants for the purpose of population health screening. Participant phenotype was not available at the time of variant classification. Additional details can be found in publication PMID: 35346344, PMCID: PMC8962531

NM_000540.3(RYR1):c.9697C>T (p.Pro3233Ser)

Gene: RYR1 (ryanodine receptor 1; plus strand). Cytogenetic location: 19q13.2.
Variant type: single nucleotide variant.
Coding change: c.9697C>T on transcript NM_000540.3 (MANE Select); coding-DNA position 9697, C replaced by T.
Protein change: p.Pro3233Ser; replaces proline 3233 with serine.
Molecular consequence: missense variant.
Genome position (GRCh38, 1-based): chr19:38,517,370, C>T. VCF-style: chr19-38517370-C-T. GRCh37 (hg19) VCF-style: chr19-39008010-C-T.
Other names: c.9697C>T, p.Pro3233Ser (NM_001042723.2); short protein forms P3233S.
Identifiers: ClinVar variation 2062848 (VCV002062848.5), dbSNP rs748843045, ClinGen allele CA074051.
Genomic context (GRCh38, chr19:38,517,370, plus strand): 5'-GTCTGGGGGTGATGGCTTGACATTCCCTGCCCCCGTCCCTGTACCCCAGTCCTGGGGCTC[C>T]CCAACAGTGTGGAGGAGATGTGTCCCGACATCCCGGTGCTGGAGCGGCTCATGGCAGACA-3'
Protein context (NP_000531.2, residues 3223-3243): SPRERAILGL[Pro3233Ser]NSVEEMCPDI